The following is an entry in ClinVar:

ClinVar aggregate classification (germline): Conflicting classifications of pathogenicity. Review status: criteria provided, conflicting classifications (1 of 4 stars). 2 submissions from 2 submitters: Uncertain significance (1); Likely benign (1). Last evaluated 2024-04-13.

Conditions:
Ehlers-Danlos syndrome, spondylodysplastic type, 2 (EDSSPD2). Also called: Ehlers-Danlos syndrome, progeroid type, 2. Identifiers: Orphanet 536467, Orphanet 75496, MedGen C3809210, MONDO:0014139, OMIM 615349.
Spondyloepimetaphyseal dysplasia with joint laxity (SEMDJL). Identifiers: MedGen C0432243, MONDO:0019675.

Allele frequency attached by ClinVar (database versions not stated): TOPMed below 0.00001.

Submissions (2):

Labcorp Genetics (formerly Invitae), Labcorp
Classification: Uncertain significance for Ehlers-Danlos syndrome, spondylodysplastic type, 2; Spondyloepimetaphyseal dysplasia with joint laxity. Last evaluated: 2024-04-13. Review status: criteria provided, single submitter. Criteria: Invitae Variant Classification Sherloc (09022015). Collection method: clinical testing. Allele origin: germline.
Comment: This sequence change affects codon 55 of the B3GALT6 mRNA. It is a 'silent' change, meaning that it does not change the encoded amino acid sequence of the B3GALT6 protein. The frequency data for this variant in the population databases is considered unreliable, as metrics indicate insufficient coverage at this position in the gnomAD database. This variant has not been reported in the literature in individuals affected with B3GALT6-related conditions. ClinVar contains an entry for this variant (Variation ID: 512327). In summary, the available evidence is currently insufficient to determine the role of this variant in disease. Therefore, it has been classified as a Variant of Uncertain Significance.

GeneDx
Classification: Likely benign. Last evaluated: 2017-09-26. Review status: criteria provided, single submitter. Criteria: GeneDx Variant Classification (06012015). Collection method: clinical testing. Allele origin: germline. Affected: yes.
Comment: This variant is considered likely benign or benign based on one or more of the following criteria: it is a conservative change, it occurs at a poorly conserved position in the protein, it is predicted to be benign by multiple in silico algorithms, and/or has population frequency not consistent with disease.

NM_080605.4(B3GALT6):c.165C>T (p.Ala55=)

Gene: B3GALT6 (beta-1,3-galactosyltransferase 6; plus strand). Cytogenetic location: 1p36.33.
Variant type: single nucleotide variant.
Coding change: c.165C>T on transcript NM_080605.4 (MANE Select); coding-DNA position 165, C replaced by T.
Protein change: p.Ala55=; no amino-acid change (alanine 55 retained).
Molecular consequence: synonymous variant.
Genome position (GRCh38, 1-based): chr1:1,232,443, C>T. VCF-style: chr1-1232443-C-T. GRCh37 (hg19) VCF-style: chr1-1167823-C-T.
Identifiers: ClinVar variation 512327 (VCV000512327.3), dbSNP rs1278117182, ClinGen allele CA415760918.